The following is an entry in ClinVar:

ClinVar aggregate classification (germline): Benign/Likely benign. Review status: criteria provided, multiple submitters, no conflicts (2 of 4 stars). 2 submissions from 2 submitters: Benign (1); Likely benign (1). Last evaluated 2025-01-03.

Conditions:
Lynch syndrome 5 (LYNCH5). Also called: Colorectal cancer, hereditary nonpolyposis, type 5; Hereditary non-polyposis colorectal cancer, type 5. Identifiers: Orphanet 144, MedGen C1833477, MONDO:0013710, OMIM 614350. Disease mechanism: loss of function.
Hereditary nonpolyposis colorectal neoplasms. Identifiers: MedGen C0009405, MeSH D003123.

Submissions (2):

Myriad Genetics, Inc.
Classification: Benign for Lynch syndrome 5. Last evaluated: 2025-01-03. Review status: criteria provided, single submitter. Criteria: Myriad Autosomal Dominant, Autosomal Recessive and X-Linked Classification Criteria (2023). Collection method: clinical testing. Allele origin: unknown.
Comment: This variant is considered benign. This variant is a silent/synonymous amino acid change and it is not expected to impact splicing.

Labcorp Genetics (formerly Invitae), Labcorp
Classification: Likely benign for Hereditary nonpolyposis colorectal neoplasms. Last evaluated: 2021-06-02. Review status: criteria provided, single submitter. Criteria: Invitae Variant Classification Sherloc (09022015). Collection method: clinical testing. Allele origin: germline.

NM_000179.3(MSH6):c.3192T>C (p.Ala1064=)

Gene: MSH6 (mutS homolog 6; plus strand). Cytogenetic location: 2p16.3.
Variant type: single nucleotide variant.
Coding change: c.3192T>C on transcript NM_000179.3 (MANE Select); coding-DNA position 3192, T replaced by C.
Protein change: p.Ala1064=; no amino-acid change (alanine 1064 retained).
Molecular consequence: synonymous variant.
Genome position (GRCh38, 1-based): chr2:47,803,439, T>C. VCF-style: chr2-47803439-T-C. GRCh37 (hg19) VCF-style: chr2-48030578-T-C.
Other names: c.2802T>C, p.Ala934= (NM_001281492.2); c.2286T>C, p.Ala762= (NM_001281493.2, NM_001281494.2).
Identifiers: ClinVar variation 1563413 (VCV001563413.9), dbSNP rs2104472270, ClinGen allele CA426121729.